The following is an entry in ClinVar:

NM_000455.5(STK11):c.209dup (p.Thr71fs)

Gene: STK11 (serine/threonine kinase 11; plus strand). Cytogenetic location: 19p13.3.
Variant type: Duplication.
Coding change: c.209dup on transcript NM_000455.5 (MANE Select); coding-DNA position 209, one base duplicated (A; older notation c.209dupA).
Protein change: p.Thr71fs; shifts the reading frame from threonine 71.
Molecular consequence: frameshift variant.
Genome position (GRCh38, 1-based): chr19:1,207,122, A duplicated. VCF-style (leftmost placement, unchanged base first): chr19-1207121-G-GA. GRCh37 (hg19) VCF-style: chr19-1207120-G-GA.
Other names: c.209dupA (NM_000455.4); short protein forms T71fs.
Identifiers: ClinVar variation 428765 (VCV000428765.3), dbSNP rs1131690929, ClinGen allele CA645369767.

ClinVar aggregate classification (germline): Pathogenic (1 of 4 stars; one submission).

Conditions:
Hereditary cancer-predisposing syndrome. Also called: Hereditary Cancer Syndrome; Neoplastic Syndromes, Hereditary; Hereditary neoplastic syndrome; Tumor predisposition. Identifiers: Orphanet 140162, MedGen C0027672, MeSH D009386, MONDO:0015356.

Submission:

Ambry Genetics
Classification: Pathogenic for Hereditary cancer-predisposing syndrome. Last evaluated: 2013-04-15. Review status: criteria provided, single submitter. Criteria: Ambry Autosomal Dominant and X-Linked criteria (10/2015). Collection method: clinical testing. Allele origin: germline. Observed: 1 variant allele.
Comment: This alteration is expected to result in loss of function by premature protein truncation or nonsense-mediatedâ€¯mRNAâ€¯decay.â€¯As such, this alteration is interpreted as a disease-causing mutation.